The following is an entry in ClinVar:

ClinVar aggregate classification (germline): Uncertain significance (1 of 4 stars; one submission).

Conditions:
Primary ciliary dyskinesia. Also called: Ciliary dyskinesia. Identifiers: Orphanet 244, MedGen C0008780, MONDO:0016575, HP:0012265.

gnomAD v4.1: 1 of 1,613,904 alleles (0.000062%); no homozygotes.

Submission:

Labcorp Genetics (formerly Invitae), Labcorp
Classification: Uncertain significance for Primary ciliary dyskinesia. Last evaluated: 2024-02-15. Review status: criteria provided, single submitter. Criteria: Invitae Variant Classification Sherloc (09022015). Collection method: clinical testing. Allele origin: germline.
Comment: This sequence change replaces alanine, which is neutral and non-polar, with glycine, which is neutral and non-polar, at codon 1940 of the DNAH11 protein (p.Ala1940Gly). This variant is not present in population databases (gnomAD no frequency). This variant has not been reported in the literature in individuals affected with DNAH11-related conditions. Advanced modeling of protein sequence and biophysical properties (such as structural, functional, and spatial information, amino acid conservation, physicochemical variation, residue mobility, and thermodynamic stability) performed at Invitae indicates that this missense variant is not expected to disrupt DNAH11 protein function with a negative predictive value of 95%. In summary, the available evidence is currently insufficient to determine the role of this variant in disease. Therefore, it has been classified as a Variant of Uncertain Significance.

NM_001277115.2(DNAH11):c.5819C>G (p.Ala1940Gly)

Gene: DNAH11 (dynein axonemal heavy chain 11; plus strand). Cytogenetic location: 7p15.3.
Variant type: single nucleotide variant.
Coding change: c.5819C>G on transcript NM_001277115.2 (MANE Select); coding-DNA position 5819, C replaced by G.
Protein change: p.Ala1940Gly; replaces alanine 1940 with glycine.
Molecular consequence: missense variant.
Genome position (GRCh38, 1-based): chr7:21,687,422, C>G. VCF-style: chr7-21687422-C-G. GRCh37 (hg19) VCF-style: chr7-21727040-C-G.
Other names: short protein forms A1940G.
Identifiers: ClinVar variation 3703818 (VCV003703818.2).